The following is an entry in ClinVar:

NM_000238.4(KCNH2):c.1755G>T (p.Trp585Cys)

Gene: KCNH2 (potassium voltage-gated channel subfamily H member 2; minus strand). Cytogenetic location: 7q36.1.
Variant type: single nucleotide variant.
Coding change: c.1755G>T on transcript NM_000238.4 (MANE Select); coding-DNA position 1755, G replaced by T.
Protein change: p.Trp585Cys; replaces tryptophan 585 with cysteine.
Molecular consequence: missense variant.
Genome position (GRCh38, 1-based): chr7:150,951,638, C>A on the plus strand (G>T on the coding strand, the complement: KCNH2 is on the minus strand). VCF-style: chr7-150951638-C-A. GRCh37 (hg19) VCF-style: chr7-150648726-C-A.
Other names: c.1755G>T (LRG_288t1); c.735G>T, p.Trp245Cys (NM_001204798.2, NM_172057.3); c.1467G>T, p.Trp489Cys (NM_001406753.1, NM_001406756.1); c.1578G>T, p.Trp526Cys (NM_001406755.1); c.1455G>T, p.Trp485Cys (NM_001406757.1); c.1755G>T, p.Trp585Cys (NM_172056.3); short protein forms W245C, W585C, W485C, W489C, W526C.
Identifiers: ClinVar variation 67265 (VCV000067265.3), dbSNP rs199473430, ClinGen allele CA005408.

ClinVar aggregate classification (germline): not provided (0 of 4 stars; one submission).

Conditions:
Familial long QT syndrome (RWS). Also called: Congenital long QT syndrome; Romano-Ward syndrome; VENTRICULAR FIBRILLATION WITH PROLONGED QT INTERVAL. Identifiers: Orphanet 768, MedGen C1141890, MONDO:0019171.

Submission:

Cardiovascular Biomedical Research Unit, Royal Brompton & Harefield NHS Foundation Trust
No classification provided. Condition: Familial long QT syndrome. Review status: no classification provided. Collection method: literature only. Allele origin: germline.
Comment: This variant has been reported as associated with Long QT syndrome in the following publications (PMID:10973849;PMID:19716085). This is a literature report, and does not necessarily reflect the clinical interpretation of the Imperial College / Royal Brompton Cardiovascular Genetics laboratory.

Literature cited by the submitters: PubMed 10973849; PubMed 19716085; PubMed 22581653.